The following is an entry in ClinVar:

ClinVar aggregate classification (germline): Benign. Review status: criteria provided, multiple submitters, no conflicts (2 of 4 stars). 3 submissions from 3 submitters: Benign (3). Last evaluated 2026-02-02.

Conditions:
Retinal cone dystrophy 4 (RCD4). Identifiers: Orphanet 1872, MedGen C1864849, MONDO:0012507, OMIM 610478.

Allele frequency attached by ClinVar (database versions not stated): gnomAD exomes 0.00735; ExAC 0.01027; gnomAD 0.02818 and 0.03029; ESP Exome Variant Server 0.03133; TOPMed 0.03153; 1000 Genomes Project 0.03235; 1000 Genomes Project 30x 0.03264.
gnomAD v4.1: 8,424 of 1,603,428 alleles (0.53%); highest among the groups gnomAD compares: African/African-American, 9.7%; 354 homozygotes.

Submissions (3):

Labcorp Genetics (formerly Invitae), Labcorp
Classification: Benign. Last evaluated: 2026-02-02. Review status: criteria provided, single submitter. Criteria: Invitae Variant Classification Sherloc (09022015). Collection method: clinical testing. Allele origin: germline.

Illumina Laboratory Services, Illumina
Classification: Benign for Retinal cone dystrophy 4. Last evaluated: 2018-01-12. Review status: criteria provided, single submitter. Criteria: ICSL Variant Classification Criteria 13 December 2019. Collection method: clinical testing. Allele origin: germline.
Comment: This variant was observed in the ICSL laboratory as part of a predisposition screen in an ostensibly healthy population. It had not been previously curated by ICSL or reported in the Human Gene Mutation Database (HGMD: prior to June 1st, 2018), and was therefore a candidate for classification through an automated scoring system. Utilizing variant allele frequency, disease prevalence and penetrance estimates, and inheritance mode, an automated score was calculated to assess if this variant is too frequent to cause the disease. Based on the score and internal cut-off values, a variant classified as benign is not then subjected to further curation. The score for this variant resulted in a classification of benign for this disease.

Breakthrough Genomics
Classification: Benign. Review status: criteria provided, single submitter. Criteria: ACMG Guidelines, 2015. Collection method: not provided. Allele origin: germline. Inheritance: Autosomal recessive inheritance. Affected: yes.

NM_172364.5(CACNA2D4):c.1068+12C>T

Gene: CACNA2D4 (calcium voltage-gated channel auxiliary subunit alpha2delta 4; minus strand). Cytogenetic location: 12p13.33.
Variant type: single nucleotide variant.
Coding change: c.1068+12C>T on transcript NM_172364.5 (MANE Select); 12 bases into the intron after coding-DNA position 1068, C replaced by T.
Molecular consequence: intron variant.
Genome position (GRCh38, 1-based): chr12:1,885,953, G>A on the plus strand (C>T on the coding strand, the complement: CACNA2D4 is on the minus strand). VCF-style: chr12-1885953-G-A. GRCh37 (hg19) VCF-style: chr12-1995119-G-A.
Identifiers: ClinVar variation 307865 (VCV000307865.14), dbSNP rs77282921, ClinGen allele CA6387296.